The following is an entry in ClinVar:

NC_000001.10:g.(1455998_1458123)_(1458280_1458890)del

Gene: ATAD3A (ATPase family AAA domain containing 3A; plus strand). Cytogenetic location: 1p36.33.
Variant type: Deletion.
Identifiers: ClinVar variation 2506253 (VCV002506253.2).

ClinVar aggregate classification (germline): Uncertain significance (1 of 4 stars; one submission).

Submission:

Women's Health and Genetics/Laboratory Corporation of America, LabCorp
Classification: Uncertain significance. Last evaluated: 2023-10-30. Review status: criteria provided, single submitter. Criteria: LabCorp Variant Classification Summary - May 2015. Collection method: clinical testing. Allele origin: germline.
Comment: Variant summary: The variant identified by MLPA or other technology involves the deletion of exon 8 in the ATAD3A gene. A presumed nomenclature of c.(894+1_895-1)_(1050+1_1051-1)del has been designated for the purposes of this classification. Although exact breakpoints of this deletion are not known, it is expected to result in a large in-frame deletion of 52 amino acids in the ATAD3A gene, which includes part of the N-terminal domain (IPR021911) of the encoded protein sequence. The variant was absent in 21694 control chromosomes (gnomAD Stuctural Variants dataset). The available data on variant occurrences in the general population are insufficient to allow any conclusion about variant significance. To our knowledge, no occurrence of c.(894+1_895-1)_(1050+1_1051-1)del in individuals affected with Harel-Yoon Syndrome and no experimental evidence demonstrating its impact on protein function have been reported. No submitters have reported clinical-significance assessments for this variant to ClinVar after 2014. Based on the evidence outlined above, the variant was classified as uncertain significance.